The following is an entry in ClinVar:

NM_005359.6(SMAD4):c.878C>T (p.Pro293Leu)

Gene: SMAD4 (SMAD family member 4; plus strand). Cytogenetic location: 18q21.2.
Variant type: single nucleotide variant.
Coding change: c.878C>T on transcript NM_005359.6 (MANE Select); coding-DNA position 878, C replaced by T.
Protein change: p.Pro293Leu; replaces proline 293 with leucine.
Molecular consequence: missense variant. On other transcripts: non-coding transcript variant (2).
Genome position (GRCh38, 1-based): chr18:51,058,430, C>T. VCF-style: chr18-51058430-C-T. GRCh37 (hg19) VCF-style: chr18-48584800-C-T.
Other names: c.878C>T, p.Pro293Leu (NM_001407041.1, NM_001407042.1, NM_001407043.1); short protein forms P293L.
Identifiers: ClinVar variation 5029736 (VCV005029736.1).

ClinVar aggregate classification (germline): Uncertain significance (1 of 4 stars; one submission).

Conditions:
Familial thoracic aortic aneurysm and aortic dissection (TAAD). Also called: Thoracic aortic aneurysms and dissections. Identifiers: Orphanet 91387, MedGen C4707243, MONDO:0019625.
Hereditary cancer-predisposing syndrome. Also called: Neoplastic Syndromes, Hereditary; Tumor predisposition; Hereditary neoplastic syndrome; Hereditary Cancer Syndrome. Identifiers: Orphanet 140162, MedGen C0027672, MeSH D009386, MONDO:0015356.

Submission:

Ambry Genetics
Classification: Uncertain significance for Hereditary cancer-predisposing syndrome; Familial thoracic aortic aneurysm and aortic dissection. Last evaluated: 2026-07-06. Review status: criteria provided, single submitter. Criteria: Ambry Variant Classification Scheme 2023. Collection method: clinical testing. Allele origin: germline.
Comment: The p.P293L variant (also known as c.878C>T), located in coding exon 6 of the SMAD4 gene, results from a C to T substitution at nucleotide position 878. The proline at codon 293 is replaced by leucine, an amino acid with similar properties. This amino acid position is conserved. In addition, this alteration is predicted to be deleterious by in silico analysis. Based on the available evidence, the clinical significance of this variant remains unclear.